The following is an entry in ClinVar:

NM_005222.4(DLX6):c.81GCAGCAGCAGCAGCAGCAACAGCA[3] (p.Gln37_Gln44dup)

Genes: DLX6 (distal-less homeobox 6; plus strand), DLX6-AS1 (DLX6 antisense RNA 1; minus strand). Cytogenetic location: 7q21.3.
Variant type: Microsatellite.
Coding change: c.81GCAGCAGCAGCAGCAGCAACAGCA[3] on transcript NM_005222.4 (MANE Select); three copies in a row of the 24-base unit GCAGCAGCAGCAGCAGCAACAGCA starting at c.81; the reference has two copies in a row; one copy, 24 bases duplicated.
Protein change: p.Gln37_Gln44dup.
Molecular consequence: inframe insertion.
Genome position (GRCh38, 1-based): chr7:97,006,082-97,006,105, GCAGCAGCAGCAGCAGCAACAGCA duplicated; duplicating any 24 consecutive bases within chr7:97,006,053-97,006,105 gives the same sequence; the position shown is the placement nearest the transcript's 3' end. VCF-style (leftmost placement, unchanged base first): chr7-97006052-G-GCAGCAGCAGCAGCAGCAGCAGCAA. GRCh37 (hg19) VCF-style: chr7-96635364-G-GCAGCAGCAGCAGCAGCAGCAGCAA.
Identifiers: ClinVar variation 1301676 (VCV001301676.8), dbSNP rs775320932, ClinGen allele CA576707870.
Genomic context (GRCh38, chr7:97,006,052, plus strand): 5'-TACGATGGCTGACGGCTTGGAAGGCCAGGACTCGTCCAAATCCGCCTTCATGGAGTTCGG[G>GCAGCAGCAGCAGCAGCAGCAGCAA]CAGCAGCAGCAGCAGCAGCAGCAACAGCAGCAGCAGCAGCAGCAGCAACAGCAACAGCCG-3'

ClinVar aggregate classification (germline): Conflicting classifications of pathogenicity. Review status: criteria provided, conflicting classifications (1 of 4 stars). 2 submissions from 2 submitters: Uncertain significance (1); Likely benign (1). Last evaluated 2026-01-31.

Submissions (2):

Labcorp Genetics (formerly Invitae), Labcorp
Classification: Uncertain significance. Last evaluated: 2026-01-31. Review status: criteria provided, single submitter. Criteria: Invitae Variant Classification Sherloc (09022015). Collection method: clinical testing. Allele origin: germline.
Comment: This variant, c.105_128dup, results in the insertion of 8 amino acid(s) of the DLX6 protein (p.Gln37_Gln44dup), but otherwise preserves the integrity of the reading frame. The frequency data for this variant in the population databases is considered unreliable, as metrics indicate poor data quality at this position in the gnomAD database. This variant has not been reported in the literature in individuals affected with DLX6-related conditions. ClinVar contains an entry for this variant (Variation ID: 1301676). Experimental studies and prediction algorithms are not available or were not evaluated, and the functional significance of this variant is currently unknown. In summary, the available evidence is currently insufficient to determine the role of this variant in disease. Therefore, it has been classified as a Variant of Uncertain Significance.

Dubai Health Genomic Medicine Center, Dubai Health
Classification: Likely benign. Last evaluated: 2020-01-02. Review status: criteria provided, single submitter. Criteria: ACMG Guidelines, 2015. Collection method: clinical testing. Allele origin: germline. Affected: yes.